The following is an entry in ClinVar:

ClinVar aggregate classification (germline): Pathogenic. Review status: criteria provided, multiple submitters, no conflicts (2 of 4 stars). 2 submissions from 2 submitters: Pathogenic (2). Last evaluated 2023-07-17.

Conditions:
Capillary malformation-arteriovenous malformation 1 (CMAVM1). Identifiers: Orphanet 137667, Orphanet 693907, MedGen C4747394, MONDO:0020783, OMIM 608354.
Capillary malformation-arteriovenous malformation syndrome. Also called: Capillary malformation-arteriovenous malformation. Identifiers: Orphanet 137667, MedGen C1842180, MONDO:0012016.

Submissions (2):

Victorian Clinical Genetics Services, Murdoch Childrens Research Institute
Classification: Pathogenic for Capillary malformation-arteriovenous malformation 1. Last evaluated: 2023-07-17. Review status: criteria provided, single submitter. Criteria: ACMG Guidelines, 2015. Collection method: clinical testing. Allele origin: germline. Inheritance: Autosomal dominant inheritance. Affected: yes.
Comment: Based on the classification scheme VCGS_Germline_v1.3.4, this variant is classified as Pathogenic. Following criteria are met: 0102 - Loss of function is a known mechanism of disease in this gene and is associated with capillary malformation-arteriovenous malformation 1 (MIM#608354). (I) 0107 - This gene is associated with autosomal dominant disease. (I) 0201 - Variant is predicted to cause nonsense-mediated decay (NMD) and loss of protein (premature termination codon is located at least 54 nucleotides upstream of the final exon-exon junction). (SP) 0251 - This variant is heterozygous. (I) 0301 - Variant is absent from gnomAD (both v2 and v3). (SP) 0701 - Other variants predicted to result in NMD comparable to the one identified in this case have very strong previous evidence for pathogenicity (DECIPHER). (SP) 0807 - This variant has no previous evidence of pathogenicity. Invitae has regarded this variant as pathogenic for this family (ClinVar). (I) 0905 - No published segregation evidence has been identified for this variant. (I) 1007 - No published functional evidence has been identified for this variant. (I) Legend: (SP) - Supporting pathogenic, (I) - Information, (SB) - Supporting benign

Labcorp Genetics (formerly Invitae), Labcorp
Classification: Pathogenic for Capillary malformation-arteriovenous malformation syndrome. Last evaluated: 2021-05-17. Review status: criteria provided, single submitter. Criteria: Invitae Variant Classification Sherloc (09022015). Collection method: clinical testing. Allele origin: germline.
Comment: For these reasons, this variant has been classified as Pathogenic. This variant has not been reported in the literature in individuals with RASA1-related conditions. This variant is not present in population databases (ExAC no frequency). This sequence change creates a premature translational stop signal (p.Lys964Ilefs*3) in the RASA1 gene. It is expected to result in an absent or disrupted protein product. Loss-of-function variants in RASA1 are known to be pathogenic (PMID: 24038909).

Literature cited by the submitters: PubMed 24038909 (cited by Labcorp Genetics (formerly Invitae), Labcorp).

NM_002890.3(RASA1):c.2891_2894del (p.Lys964fs)

Genes: CCNH (cyclin H; minus strand), RASA1 (RAS p21 protein activator 1; plus strand). Cytogenetic location: 5q14.3.
Variant type: Microsatellite.
Coding change: c.2891_2894del on transcript NM_002890.3 (MANE Select); coding-DNA positions 2891 to 2894, 4 bases deleted (AACA; older notation c.2891_2894delAACA).
Protein change: p.Lys964fs; shifts the reading frame from lysine 964.
Molecular consequence: frameshift variant. On other transcripts: intron variant (1).
Genome position (GRCh38, 1-based): chr5:87,386,869-87,386,872, AACA deleted; deleting any 4 consecutive bases within chr5:87,386,865-87,386,872 gives the same sequence; the c. name uses the placement nearest the transcript's 3' end. VCF-style (leftmost placement, unchanged base first): chr5-87386864-CAACA-C. GRCh37 (hg19) VCF-style: chr5-86682681-CAACA-C.
Other names: c.2360_2363del, p.Lys787fs (NM_022650.3); c.933+8176_933+8179del (NM_001364075.2); short protein forms K964fs, K787fs.
Identifiers: ClinVar variation 1395909 (VCV001395909.8), dbSNP rs2112517213, ClinGen allele CA2579987884.
Genomic context (GRCh38, chr5:87,386,864, plus strand): 5'-ACAGAAGCATTTTATTTTTCAGGAGCCCTACATGGAAGGTGTCAATCCATTCATCAAAAG[CAACA>C]AACATCGTATGATCATGTTTTTAGATGAACTTGGGGTATGTATATAGTTTTCAGGTACTT-3'